The following is an entry in ClinVar:

NM_001273.5(CHD4):c.4203T>G (p.Pro1401=)

Genes: CHD4 (chromodomain helicase DNA binding protein 4; minus strand), CHD4-AS1 (CHD4 antisense RNA 1; plus strand). Cytogenetic location: 12p13.31.
Variant type: single nucleotide variant.
Coding change: c.4203T>G on transcript NM_001273.5 (MANE Select); coding-DNA position 4203, T replaced by G.
Protein change: p.Pro1401=; no amino-acid change (proline 1401 retained).
Molecular consequence: synonymous variant.
Genome position (GRCh38, 1-based): chr12:6,582,881, A>C on the plus strand (T>G on the coding strand, the complement: CHD4 is on the minus strand). VCF-style: chr12-6582881-A-C. GRCh37 (hg19) VCF-style: chr12-6692047-A-C.
Other names: c.4182T>G, p.Pro1394= (NM_001297553.2); c.4164T>G, p.Pro1388= (NM_001363606.2).
Identifiers: ClinVar variation 742257 (VCV000742257.5), dbSNP rs777763272, ClinGen allele CA6411627.

ClinVar aggregate classification (germline): Likely benign. Review status: criteria provided, multiple submitters, no conflicts (2 of 4 stars). 2 submissions from 2 submitters: Likely benign (2). Last evaluated 2026-02-27.

Conditions:
CHD4-related disorder. Also called: CHD4-related condition.

Allele frequency attached by ClinVar (database versions not stated): ExAC 0.00001; gnomAD 0.00001; gnomAD exomes 0.00001 and 0.00002; TOPMed 0.00001.
gnomAD v4.1: 20 of 1,613,906 alleles (0.0012%); highest among the groups gnomAD compares: Admixed American, 0.0033%; no homozygotes.

Submissions (2):

PreventionGenetics, part of Exact Sciences
Classification: Likely benign for CHD4-related condition. Last evaluated: 2026-02-27. Review status: criteria provided, single submitter. Criteria: ACMG Guidelines, 2015. Collection method: clinical testing. Allele origin: germline.
Comment: This variant is classified as likely benign based on ACMG/AMP sequence variant interpretation guidelines (Richards et al. 2015 PMID: 25741868, with internal and published modifications).

Labcorp Genetics (formerly Invitae), Labcorp
Classification: Likely benign. Last evaluated: 2019-12-31. Review status: criteria provided, single submitter. Criteria: Invitae Variant Classification Sherloc (09022015). Collection method: clinical testing. Allele origin: germline.